The following is an entry in ClinVar:

NM_003038.5(SLC1A4):c.1194C>T (p.Asn398=)

Gene: SLC1A4 (solute carrier family 1 member 4; plus strand). Cytogenetic location: 2p14.
Variant type: single nucleotide variant.
Coding change: c.1194C>T on transcript NM_003038.5 (MANE Select); coding-DNA position 1194, C replaced by T.
Protein change: p.Asn398=; no amino-acid change (asparagine 398 retained).
Molecular consequence: synonymous variant.
Genome position (GRCh38, 1-based): chr2:65,018,230, C>T. VCF-style: chr2-65018230-C-T. GRCh37 (hg19) VCF-style: chr2-65245364-C-T.
Other names: c.300C>T, p.Asn100= (NM_001193493.2); c.534C>T, p.Asn178= (NM_001348406.2, NM_001348407.2).
Identifiers: ClinVar variation 2651006 (VCV002651006.28), dbSNP rs772532007, ClinGen allele CA1686095.

ClinVar aggregate classification (germline): Likely benign. Review status: criteria provided, multiple submitters, no conflicts (2 of 4 stars). 3 submissions from 3 submitters: Likely benign (3). Last evaluated 2025-11-05.

Allele frequency attached by ClinVar (database versions not stated): ExAC 0.00001.

Submissions (3):

Labcorp Genetics (formerly Invitae), Labcorp
Classification: Likely benign. Last evaluated: 2025-11-05. Review status: criteria provided, single submitter. Criteria: Invitae Variant Classification Sherloc (09022015). Collection method: clinical testing. Allele origin: germline.

CeGaT Center for Human Genetics Tuebingen
Classification: Likely benign. Last evaluated: 2023-10-01. Review status: criteria provided, single submitter. Criteria: CeGaT Center For Human Genetics Tuebingen Variant Classification Criteria Version 2. Collection method: clinical testing. Allele origin: germline. Affected: yes. Observed: 1 variant allele.
Comment: SLC1A4: BP4, BP7

Breakthrough Genomics
Classification: Likely benign. Review status: criteria provided, single submitter. Criteria: ACMG Guidelines, 2015. Collection method: not provided. Allele origin: germline. Inheritance: Autosomal recessive inheritance. Affected: yes.